The following is an entry in ClinVar:

ClinVar aggregate classification (germline): Uncertain significance. Review status: criteria provided, multiple submitters, no conflicts (2 of 4 stars). 3 submissions from 3 submitters: Uncertain significance (3). Last evaluated 2025-12-03.

Conditions:
Hereditary cancer-predisposing syndrome. Also called: Hereditary neoplastic syndrome; Tumor predisposition; Neoplastic Syndromes, Hereditary; Hereditary Cancer Syndrome. Identifiers: Orphanet 140162, MedGen C0027672, MeSH D009386, MONDO:0015356.

Allele frequency attached by ClinVar (database versions not stated): TOPMed 0.00002.

Submissions (3):

Labcorp Genetics (formerly Invitae), Labcorp
Classification: Uncertain significance. Last evaluated: 2025-12-03. Review status: criteria provided, single submitter. Criteria: Invitae Variant Classification Sherloc (09022015). Collection method: clinical testing. Allele origin: germline.
Comment: This sequence change replaces glutamic acid, which is acidic and polar, with lysine, which is basic and polar, at codon 2253 of the POLE protein (p.Glu2253Lys). This variant is not present in population databases (gnomAD no frequency). This variant has not been reported in the literature in individuals affected with POLE-related conditions. ClinVar contains an entry for this variant (Variation ID: 655425). Invitae Evidence Modeling of protein sequence and biophysical properties (such as structural, functional, and spatial information, amino acid conservation, physicochemical variation, residue mobility, and thermodynamic stability) indicates that this missense variant is not expected to disrupt POLE protein function with a negative predictive value of 80%. In summary, the available evidence is currently insufficient to determine the role of this variant in disease. Therefore, it has been classified as a Variant of Uncertain Significance.

Ambry Genetics
Classification: Uncertain significance for Hereditary cancer-predisposing syndrome. Last evaluated: 2024-12-13. Review status: criteria provided, single submitter. Criteria: Ambry Variant Classification Scheme 2023. Collection method: clinical testing. Allele origin: germline.
Comment: The p.E2253K variant (also known as c.6757G>A), located in coding exon 49 of the POLE gene, results from a G to A substitution at nucleotide position 6757. The glutamic acid at codon 2253 is replaced by lysine, an amino acid with similar properties. This amino acid position is conserved. In addition, the in silico prediction for this alteration is inconclusive. Based on the available evidence, the clinical significance of this variant remains unclear.

GeneDx
Classification: Uncertain significance. Last evaluated: 2024-01-02. Review status: criteria provided, single submitter. Criteria: GeneDx Variant Classification Process June 2021. Collection method: clinical testing. Allele origin: germline. Affected: yes.
Comment: Not observed in large population cohorts (gnomAD); In silico analysis supports that this missense variant does not alter protein structure/function; Has not been previously published as pathogenic or benign to our knowledge

NM_006231.4(POLE):c.6757G>A (p.Glu2253Lys)

Gene: POLE (DNA polymerase epsilon, catalytic subunit; minus strand). Cytogenetic location: 12q24.33.
Variant type: single nucleotide variant.
Coding change: c.6757G>A on transcript NM_006231.4 (MANE Select); coding-DNA position 6757, G replaced by A.
Protein change: p.Glu2253Lys; replaces glutamic acid 2253 with lysine.
Molecular consequence: missense variant.
Genome position (GRCh38, 1-based): chr12:132,624,801, C>T on the plus strand (G>A on the coding strand, the complement: POLE is on the minus strand). VCF-style: chr12-132624801-C-T. GRCh37 (hg19) VCF-style: chr12-133201387-C-T.
Other names: short protein forms E2253K.
Identifiers: ClinVar variation 655425 (VCV000655425.18), dbSNP rs376140352, ClinGen allele CA246285168.